The following is an entry in ClinVar:

NM_000540.3(RYR1):c.9151_9162del (p.Arg3051_Val3054del)

Gene: RYR1 (ryanodine receptor 1; plus strand). Cytogenetic location: 19q13.2.
Variant type: Deletion.
Coding change: c.9151_9162del on transcript NM_000540.3 (MANE Select); coding-DNA positions 9151 to 9162, 12 bases deleted (CGCCACCGAGTC).
Protein change: p.Arg3051_Val3054del.
Genome position (GRCh38, 1-based): chr19:38,511,589-38,511,600, CGCCACCGAGTC deleted; deleting any 12 consecutive bases within chr19:38,511,586-38,511,600 gives the same sequence; the c. name uses the placement nearest the transcript's 3' end. VCF-style (leftmost placement, unchanged base first): chr19-38511585-CGTCCGCCACCGA-C. GRCh37 (hg19) VCF-style: chr19-39002225-CGTCCGCCACCGA-C.
Other names: c.9151_9162del, p.Arg3051_Val3054del (NM_001042723.2).
Identifiers: ClinVar variation 3385496 (VCV003385496.1).

ClinVar aggregate classification (germline): Uncertain significance (1 of 4 stars; one submission).

Conditions:
Malignant hyperthermia, susceptibility to, 1 (MHS1). Also called: Anesthesia related hyperthermia; Malignant hyperpyrexia; Fulminating hyperpyrexia; Pharmacogenic myopathy; Malignant hyperthermia suceptibility 1; RYR1-Related Malignant Hyperthermia Susceptibility. Identifiers: Orphanet 423, MedGen C2930980, MONDO:0007783, OMIM 145600.

Submission:

All of Us Research Program, National Institutes of Health
Classification: Uncertain significance for Malignant hyperthermia, susceptibility to, 1. Last evaluated: 2024-08-29. Review status: criteria provided, single submitter. Criteria: ACMG Guidelines, 2015. Collection method: clinical testing. Allele origin: germline. Inheritance: Autosomal dominant inheritance. Observed: 1 variant allele, 1 heterozygote.
Comment: This study involves interpretation of variants in research participants for the purpose of population health screening. Participant phenotype was not available at the time of variant classification. Additional details can be found in publication PMID: 35346344, PMCID: PMC8962531